The following is an entry in ClinVar:

ClinVar aggregate classification (germline): Uncertain significance (1 of 4 stars; one submission).

Conditions:
Leber congenital amaurosis 8 (LCA8). Identifiers: Orphanet 65, MedGen C3151202, MONDO:0013453, OMIM 613835.
Retinitis pigmentosa 12 (RP12). Also called: RP WITH OR WITHOUT PPRPE; RP WITH OR WITHOUT PRESERVED PARAARTERIOLE RETINAL PIGMENT EPITHELIUM; RETINITIS PIGMENTOSA WITH OR WITHOUT PARAARTERIOLAR PRESERVATION OF RETINAL PIGMENT EPITHELIUM. Identifiers: Orphanet 791, MedGen C1838647, MONDO:0010818, OMIM 600105.

Submission:

Labcorp Genetics (formerly Invitae), Labcorp
Classification: Uncertain significance for Leber congenital amaurosis 8; Retinitis pigmentosa 12. Last evaluated: 2022-06-14. Review status: criteria provided, single submitter. Criteria: Invitae Variant Classification Sherloc (09022015). Collection method: clinical testing. Allele origin: germline.
Comment: Advanced modeling of protein sequence and biophysical properties (such as structural, functional, and spatial information, amino acid conservation, physicochemical variation, residue mobility, and thermodynamic stability) performed at Invitae indicates that this missense variant is not expected to disrupt CRB1 protein function. In summary, the available evidence is currently insufficient to determine the role of this variant in disease. Therefore, it has been classified as a Variant of Uncertain Significance. This variant has not been reported in the literature in individuals affected with CRB1-related conditions. This variant is not present in population databases (gnomAD no frequency). This sequence change replaces tyrosine, which is neutral and polar, with phenylalanine, which is neutral and non-polar, at codon 1206 of the CRB1 protein (p.Tyr1206Phe).

NM_201253.3(CRB1):c.3617A>T (p.Tyr1206Phe)

Gene: CRB1 (crumbs cell polarity complex component 1; plus strand). Cytogenetic location: 1q31.3.
Variant type: single nucleotide variant.
Coding change: c.3617A>T on transcript NM_201253.3 (MANE Select); coding-DNA position 3617, A replaced by T.
Protein change: p.Tyr1206Phe; replaces tyrosine 1206 with phenylalanine.
Molecular consequence: missense variant. On other transcripts: non-coding transcript variant (2), intron variant (1).
Genome position (GRCh38, 1-based): chr1:197,435,480, A>T. VCF-style: chr1-197435480-A-T. GRCh37 (hg19) VCF-style: chr1-197404610-A-T.
Other names: c.3281A>T, p.Tyr1094Phe (NM_001193640.2); c.3545A>T, p.Tyr1182Phe (NM_001257965.2); c.2129-120A>T (NM_001257966.2); short protein forms Y1182F, Y1094F, Y1206F.
Identifiers: ClinVar variation 2006510 (VCV002006510.4), dbSNP rs2528204358, ClinGen allele CA344049985.